The following is an entry in ClinVar:

ClinVar aggregate classification (germline): Likely benign (1 of 4 stars; one submission).

Allele frequency attached by ClinVar (database versions not stated): gnomAD exomes below 0.00001.
gnomAD v4.1: 1 of 1,612,634 alleles (0.000062%); highest among the groups gnomAD compares: Non-Finnish European, 0.000085%; no homozygotes.

Submission:

CeGaT Center for Human Genetics Tuebingen
Classification: Likely benign. Last evaluated: 2022-09-01. Review status: criteria provided, single submitter. Criteria: CeGaT Center For Human Genetics Tuebingen Variant Classification Criteria Version 2. Collection method: clinical testing. Allele origin: germline. Affected: yes. Observed: 1 variant allele.
Comment: AKAP9: PM2:Supporting, BP4, BP7

NM_005751.5(AKAP9):c.5622A>C (p.Thr1874=)

Gene: AKAP9 (A-kinase anchoring protein 9; plus strand). Cytogenetic location: 7q21.2.
Variant type: single nucleotide variant.
Coding change: c.5622A>C on transcript NM_005751.5 (MANE Select); coding-DNA position 5622, A replaced by C.
Protein change: p.Thr1874=; no amino-acid change (threonine 1874 retained).
Molecular consequence: synonymous variant.
Genome position (GRCh38, 1-based): chr7:92,061,280, A>C. VCF-style: chr7-92061280-A-C. GRCh37 (hg19) VCF-style: chr7-91690594-A-C.
Other names: c.267A>C, p.Thr89= (NM_001379277.1); c.5622A>C, p.Thr1874= (NM_147185.3).
Identifiers: ClinVar variation 2657666 (VCV002657666.24), dbSNP rs2535190717, ClinGen allele CA456454169.